The following is an entry in ClinVar:

ClinVar aggregate classification (germline): Likely pathogenic (1 of 4 stars; one submission).

Submission:

Seattle Children's Hospital Molecular Genetics Laboratory, Seattle Children's Hospital
Classification: Likely pathogenic. Last evaluated: 2021-09-23. Review status: criteria provided, single submitter. Criteria: ACMG Guidelines, 2015. Collection method: clinical testing. Allele origin: germline. Affected: yes.
Comment: This variant is predicted to be damaging by multiple in silico tools, and is absent from large population studies (gnomAD v2.1.1) and the ClinVar database. This variant has not been reported in the medical literature in clinically affected individuals. This leucine is a highly conserved amino acid position within the tyrosine kinase domain of the receptor (UniProt P35916, aa# 845 – 1173). Different alterations of nearby residues, including the adjacent p.Gly1057, have been reported pathogenic (PMID: 23074044).

NM_182925.5(FLT4):c.3172C>G (p.Leu1058Val)

Gene: FLT4 (fms related receptor tyrosine kinase 4; minus strand). Cytogenetic location: 5q35.3.
Variant type: single nucleotide variant.
Coding change: c.3172C>G on transcript NM_182925.5 (MANE Select); coding-DNA position 3172, C replaced by G.
Protein change: p.Leu1058Val; replaces leucine 1058 with valine.
Molecular consequence: missense variant.
Genome position (GRCh38, 1-based): chr5:180,616,414, G>C on the plus strand (C>G on the coding strand, the complement: FLT4 is on the minus strand). VCF-style: chr5-180616414-G-C. GRCh37 (hg19) VCF-style: chr5-180043414-G-C.
Other names: c.3172C>G, p.Leu1058Val (NM_001354989.2, NM_002020.5); short protein forms L1058V.
Identifiers: ClinVar variation 1691361 (VCV001691361.2), dbSNP rs2127802292, ClinGen allele CA362500471.